The following is an entry in ClinVar:

NM_000245.4(MET):c.3404G>C (p.Ser1135Thr)

Gene: MET (MET proto-oncogene, receptor tyrosine kinase; plus strand). Cytogenetic location: 7q31.2.
Variant type: single nucleotide variant.
Coding change: c.3404G>C on transcript NM_000245.4 (MANE Select); coding-DNA position 3404, G replaced by C.
Protein change: p.Ser1135Thr; replaces serine 1135 with threonine.
Molecular consequence: missense variant.
Genome position (GRCh38, 1-based): chr7:116,778,839, G>C. VCF-style: chr7-116778839-G-C. GRCh37 (hg19) VCF-style: chr7-116418893-G-C.
Other names: c.3458G>C, p.Ser1153Thr (NM_001127500.3); c.2114G>C, p.Ser705Thr (NM_001324402.2); short protein forms S1135T, S1153T, S705T.
Identifiers: ClinVar variation 3664723 (VCV003664723.2).

ClinVar aggregate classification (germline): Uncertain significance (1 of 4 stars; one submission).

Conditions:
Renal cell carcinoma. Identifiers: Orphanet 217071, MedGen C0007134, MeSH D002292, MONDO:0005086, HP:0005584.

Submission:

Labcorp Genetics (formerly Invitae), Labcorp
Classification: Uncertain significance for Renal cell carcinoma. Last evaluated: 2024-10-30. Review status: criteria provided, single submitter. Criteria: Invitae Variant Classification Sherloc (09022015). Collection method: clinical testing. Allele origin: germline.
Comment: This sequence change replaces serine, which is neutral and polar, with threonine, which is neutral and polar, at codon 1153 of the MET protein (p.Ser1153Thr). This variant is not present in population databases (gnomAD no frequency). This variant has not been reported in the literature in individuals affected with MET-related conditions. Invitae Evidence Modeling of protein sequence and biophysical properties (such as structural, functional, and spatial information, amino acid conservation, physicochemical variation, residue mobility, and thermodynamic stability) indicates that this missense variant is not expected to disrupt MET protein function with a negative predictive value of 80%. In summary, the available evidence is currently insufficient to determine the role of this variant in disease. Therefore, it has been classified as a Variant of Uncertain Significance.